The following is an entry in ClinVar:

ClinVar aggregate classification (germline): Uncertain significance. Review status: criteria provided, multiple submitters, no conflicts (2 of 4 stars). 2 submissions from 2 submitters: Uncertain significance (2). Last evaluated 2024-02-26.

Conditions:
Bethlem myopathy 1A. Also called: MYOPATHY, BENIGN CONGENITAL, WITH CONTRACTURES; Bethlem myopathy 1; Bethlem Muscular Dystrophy. Identifiers: Orphanet 610, MedGen CN029274, MONDO:0024530, OMIM 158810.

Allele frequency attached by ClinVar (database versions not stated): TOPMed below 0.00001; gnomAD 0.00001; gnomAD exomes 0.00001.
gnomAD v4.1: 8 of 1,613,368 alleles (0.0005%); highest among the groups gnomAD compares: East Asian, 0.0022%; no homozygotes.

Submissions (2):

Blueprint Genetics
Classification: Uncertain significance. Last evaluated: 2024-02-26. Review status: criteria provided, single submitter. Criteria: ACMG Guidelines, 2015. Collection method: clinical testing. Allele origin: germline.

Labcorp Genetics (formerly Invitae), Labcorp
Classification: Uncertain significance for Bethlem myopathy 1A. Last evaluated: 2022-11-08. Review status: criteria provided, single submitter. Criteria: Invitae Variant Classification Sherloc (09022015). Collection method: clinical testing. Allele origin: germline.
Comment: This variant has not been reported in the literature in individuals affected with COL6A3-related conditions. This sequence change affects codon 2157 of the COL6A3 mRNA. It is a 'silent' change, meaning that it does not change the encoded amino acid sequence of the COL6A3 protein. This variant also falls at the last nucleotide of exon 21, which is part of the consensus splice site for this exon. This variant is present in population databases (no rsID available, gnomAD 0.005%). ClinVar contains an entry for this variant (Variation ID: 1345361). Variants that disrupt the consensus splice site are a relatively common cause of aberrant splicing (PMID: 17576681, 9536098). Algorithms developed to predict the effect of sequence changes on RNA splicing suggest that this variant may disrupt the consensus splice site. In summary, the available evidence is currently insufficient to determine the role of this variant in disease. Therefore, it has been classified as a Variant of Uncertain Significance.

Literature cited by the submitters: PubMed 17576681 (cited by Labcorp Genetics (formerly Invitae), Labcorp); PubMed 9536098 (cited by Labcorp Genetics (formerly Invitae), Labcorp).

NM_004369.4(COL6A3):c.6471G>A (p.Pro2157=)

Gene: COL6A3 (collagen type VI alpha 3 chain; minus strand). Cytogenetic location: 2q37.3.
Variant type: single nucleotide variant.
Coding change: c.6471G>A on transcript NM_004369.4 (MANE Select); coding-DNA position 6471, G replaced by A.
Protein change: p.Pro2157=; no amino-acid change (proline 2157 retained).
Molecular consequence: synonymous variant.
Genome position (GRCh38, 1-based): chr2:237,358,521, C>T on the plus strand (G>A on the coding strand, the complement: COL6A3 is on the minus strand). VCF-style: chr2-237358521-C-T. GRCh37 (hg19) VCF-style: chr2-238267164-C-T.
Other names: c.4650G>A, p.Pro1550= (NM_057166.5); c.5853G>A, p.Pro1951= (NM_057167.4).
Identifiers: ClinVar variation 1345361 (VCV001345361.7), dbSNP rs1349524156, ClinGen allele CA431678045.